The following is an entry in ClinVar:

ClinVar aggregate classification (germline): Uncertain significance. Review status: criteria provided, multiple submitters, no conflicts (2 of 4 stars). 2 submissions from 2 submitters: Uncertain significance (2). Last evaluated 2025-01-06.

Conditions:
Sessile serrated polyposis cancer syndrome (SSPCS). Identifiers: Orphanet 157798, MedGen C4310714, MONDO:0014919, OMIM 617108.

Allele frequency attached by ClinVar (database versions not stated): ExAC 0.00001; gnomAD exomes 0.00001.
gnomAD v4.1: 3 of 1,613,786 alleles (0.00019%); highest among the groups gnomAD compares: Non-Finnish European, 0.00025%; no homozygotes.

Submissions (2):

Ambry Genetics
Classification: Uncertain significance. Last evaluated: 2025-01-06. Review status: criteria provided, single submitter. Criteria: Ambry Variant Classification Scheme 2023. Collection method: clinical testing. Allele origin: germline.
Comment: The p.G515E variant (also known as c.1544G>A), located in coding exon 8 of the RNF43 gene, results from a G to A substitution at nucleotide position 1544. The glycine at codon 515 is replaced by glutamic acid, an amino acid with similar properties. This amino acid position is conserved. In addition, this alteration is predicted to be tolerated by in silico analysis. Based on the available evidence, the clinical significance of this variant remains unclear.

Baylor Genetics
Classification: Uncertain significance for Sessile serrated polyposis cancer syndrome. Last evaluated: 2023-05-16. Review status: criteria provided, single submitter. Criteria: ACMG Guidelines, 2015. Collection method: clinical testing. Allele origin: unknown.

NM_017763.6(RNF43):c.1544G>A (p.Gly515Glu)

Gene: RNF43 (ring finger protein 43; minus strand). Cytogenetic location: 17q22.
Variant type: single nucleotide variant.
Coding change: c.1544G>A on transcript NM_017763.6 (MANE Select); coding-DNA position 1544, G replaced by A.
Protein change: p.Gly515Glu; replaces glycine 515 with glutamic acid.
Molecular consequence: missense variant.
Genome position (GRCh38, 1-based): chr17:58,358,232, C>T on the plus strand (G>A on the coding strand, the complement: RNF43 is on the minus strand). VCF-style: chr17-58358232-C-T. GRCh37 (hg19) VCF-style: chr17-56435593-C-T.
Other names: c.1544G>A, p.Gly515Glu (NM_001305544.3); c.1163G>A, p.Gly388Glu (NM_001305545.2); c.1544G>A (NM_017763.4); short protein forms G388E, G515E.
Identifiers: ClinVar variation 2678426 (VCV002678426.2), dbSNP rs781544020, ClinGen allele CA8673161.